The following is an entry in ClinVar:

NM_006431.3(CCT2):c.161G>A (p.Ser54Asn)

Gene: CCT2 (chaperonin containing TCP1 subunit 2; plus strand). Cytogenetic location: 12q15.
Variant type: single nucleotide variant.
Coding change: c.161G>A on transcript NM_006431.3 (MANE Select); coding-DNA position 161, G replaced by A.
Protein change: p.Ser54Asn; replaces serine 54 with asparagine.
Molecular consequence: missense variant.
Genome position (GRCh38, 1-based): chr12:69,587,521, G>A. VCF-style: chr12-69587521-G-A. GRCh37 (hg19) VCF-style: chr12-69981301-G-A.
Other names: c.20G>A, p.Ser7Asn (NM_001198842.2); short protein forms S7N, S54N.
Identifiers: ClinVar variation 3693017 (VCV003693017.2).

ClinVar aggregate classification (germline): Uncertain significance (1 of 4 stars; one submission).

gnomAD v4.1: 2 of 1,609,670 alleles (0.00012%); highest among the groups gnomAD compares: South Asian, 0.0011%; no homozygotes.

Submission:

Labcorp Genetics (formerly Invitae), Labcorp
Classification: Uncertain significance. Last evaluated: 2025-01-30. Review status: criteria provided, single submitter. Criteria: Invitae Variant Classification Sherloc (09022015). Collection method: clinical testing. Allele origin: germline.
Comment: This sequence change replaces serine, which is neutral and polar, with asparagine, which is neutral and polar, at codon 54 of the CCT2 protein (p.Ser54Asn). This variant is not present in population databases (gnomAD no frequency). This variant has not been reported in the literature in individuals affected with CCT2-related conditions. An algorithm developed to predict the effect of missense changes on protein structure and function (PolyPhen-2) suggests that this variant is likely to be tolerated. In summary, the available evidence is currently insufficient to determine the role of this variant in disease. Therefore, it has been classified as a Variant of Uncertain Significance.